The following is an entry in ClinVar:

ClinVar aggregate classification (germline): Conflicting classifications of pathogenicity. Review status: criteria provided, conflicting classifications (1 of 4 stars). 2 submissions from 2 submitters: Uncertain significance (1); Benign (1). Last evaluated 2025-12-16.

Conditions:
Kabuki syndrome. Also called: Kabuki make-up syndrome; NIIKAWA-KUROKI SYNDROME. Identifiers: Orphanet 2322, MedGen C0796004, MONDO:0016512.
Kabuki syndrome 1 (KABUK1). Also called: KMT2D-Related Kabuki Syndrome. Identifiers: Orphanet 2322, MedGen CN030661, MONDO:0007843, OMIM 147920.

Allele frequency attached by ClinVar (database versions not stated): gnomAD exomes 0.00001; gnomAD 0.00009 and 0.00011; TOPMed 0.00009; ESP Exome Variant Server 0.00017.
gnomAD v4.1: 34 of 1,613,078 alleles (0.0021%); highest among the groups gnomAD compares: African/African-American, 0.04%; no homozygotes.

Submissions (2):

Labcorp Genetics (formerly Invitae), Labcorp
Classification: Benign for Kabuki syndrome. Last evaluated: 2025-12-16. Review status: criteria provided, single submitter. Criteria: Invitae Variant Classification Sherloc (09022015). Collection method: clinical testing. Allele origin: germline.

Baylor Genetics
Classification: Uncertain significance for Kabuki syndrome 1. Last evaluated: 2019-03-27. Review status: criteria provided, single submitter. Criteria: ACMG Guidelines, 2015. Collection method: clinical testing. Allele origin: maternal. Affected: yes.
Comment: This variant was determined to be of uncertain significance according to ACMG Guidelines, 2015 [PMID:25741868].

NM_003482.4(KMT2D):c.8245G>A (p.Val2749Met)

Gene: KMT2D (lysine methyltransferase 2D; minus strand). Cytogenetic location: 12q13.12.
Variant type: single nucleotide variant.
Coding change: c.8245G>A on transcript NM_003482.4 (MANE Select); coding-DNA position 8245, G replaced by A.
Protein change: p.Val2749Met; replaces valine 2749 with methionine.
Molecular consequence: missense variant.
Genome position (GRCh38, 1-based): chr12:49,039,343, C>T on the plus strand (G>A on the coding strand, the complement: KMT2D is on the minus strand). VCF-style: chr12-49039343-C-T. GRCh37 (hg19) VCF-style: chr12-49433126-C-T.
Other names: short protein forms V2749M.
Identifiers: ClinVar variation 1028118 (VCV001028118.5), dbSNP rs376888531, ClinGen allele CA6546878.